The following is an entry in ClinVar:

ClinVar aggregate classification (germline): Uncertain significance. Review status: criteria provided, multiple submitters, no conflicts (2 of 4 stars). 2 submissions from 2 submitters: Uncertain significance (2). Last evaluated 2025-07-24.

Conditions:
Autosomal recessive limb-girdle muscular dystrophy type 2J (LGMDR10). Also called: Limb-girdle muscular dystrophy, type 2J; MUSCULAR DYSTROPHY, LIMB-GIRDLE, AUTOSOMAL RECESSIVE 10. Identifiers: Orphanet 140922, MedGen C1837342, MONDO:0012127, OMIM 608807.
Dilated cardiomyopathy 1G (CMD1G). Identifiers: Orphanet 154, MedGen C1858763, MONDO:0011400, OMIM 604145.
Myopathy, myofibrillar, 9, with early respiratory failure (MFM9). Also called: EDSTROM MYOPATHY; MYOPATHY, PROXIMAL, WITH EARLY RESPIRATORY MUSCLE INVOLVEMENT; Hereditary myopathy with early respiratory failure; Myopathy, distal, with early respiratory failure, autosomal dominant. Identifiers: Orphanet 178464, Orphanet 34521, MedGen C1863599, MONDO:0011362, OMIM 603689.
Hypertrophic cardiomyopathy 9. Also called: Familial hypertrophic cardiomyopathy 9. Identifiers: MedGen C1861065, MONDO:0013412, OMIM 613765.
Early-onset myopathy with fatal cardiomyopathy (CMYO5). Also called: Salih Myopathy; CONGENITAL MYOPATHY 5 WITH CARDIOMYOPATHY. Identifiers: Orphanet 289377, MedGen C2673677, MONDO:0012714, OMIM 611705. Disease mechanism: loss of function.
Tibial muscular dystrophy (TMD). Also called: UDD MYOPATHY; Tibial muscular dystrophy, tardive; Udd Distal Myopathy – Tibial Muscular Dystrophy. Identifiers: Orphanet 609, MedGen C1838244, MONDO:0010870, OMIM 600334.

Allele frequency attached by ClinVar (database versions not stated): gnomAD 0.00001; gnomAD exomes 0.00001; TOPMed 0.00001.
gnomAD v4.1: 9 of 1,611,440 alleles (0.00056%); highest among the groups gnomAD compares: Admixed American, 0.0017%; no homozygotes.

Submissions (2):

Labcorp Genetics (formerly Invitae), Labcorp
Classification: Uncertain significance for Dilated cardiomyopathy 1G; Autosomal recessive limb-girdle muscular dystrophy type 2J. Last evaluated: 2025-07-24. Review status: criteria provided, single submitter. Criteria: Invitae Variant Classification Sherloc (09022015). Collection method: clinical testing. Allele origin: germline.
Comment: This sequence change falls in intron 10 of the TTN gene. It does not directly change the encoded amino acid sequence of the TTN protein. It affects a nucleotide within the consensus splice site. This variant is not present in population databases (gnomAD no frequency). This variant has not been reported in the literature in individuals affected with TTN-related conditions. ClinVar contains an entry for this variant (Variation ID: 466843). Variants that disrupt the consensus splice site are a relatively common cause of aberrant splicing (PMID: 17576681, 9536098). Algorithms developed to predict the effect of sequence changes on RNA splicing suggest that this variant may disrupt the consensus splice site. This variant is located in the Z band of TTN (PMID: 25589632). Non-truncating variants in this region may be clinically relevant, but have not been definitively shown to cause cardiomyopathy or neuromuscular disease (PMID: 27493940, 32778822). In summary, the available evidence is currently insufficient to determine the role of this variant in disease. Therefore, it has been classified as a Variant of Uncertain Significance.

Fulgent Genetics
Classification: Uncertain significance for Tibial muscular dystrophy; Myopathy, myofibrillar, 9, with early respiratory failure; Dilated cardiomyopathy 1G; Autosomal recessive limb-girdle muscular dystrophy type 2J; Early-onset myopathy with fatal cardiomyopathy; Hypertrophic cardiomyopathy 9. Last evaluated: 2021-07-19. Review status: criteria provided, single submitter. Criteria: ACMG Guidelines, 2015. Collection method: clinical testing. Allele origin: unknown.

Literature cited by the submitters: PubMed 17576681 (cited by Labcorp Genetics (formerly Invitae), Labcorp); PubMed 9536098 (cited by Labcorp Genetics (formerly Invitae), Labcorp); PubMed 25589632 (cited by Labcorp Genetics (formerly Invitae), Labcorp); PubMed 27493940 (cited by Labcorp Genetics (formerly Invitae), Labcorp); PubMed 32778822 (cited by Labcorp Genetics (formerly Invitae), Labcorp).

NM_001267550.2(TTN):c.1662+5G>A

Gene: TTN (titin; minus strand). Cytogenetic location: 2q31.2.
Variant type: single nucleotide variant.
Coding change: c.1662+5G>A on transcript NM_001267550.2 (MANE Select); 5 bases into the intron after coding-DNA position 1662, G replaced by A.
Molecular consequence: intron variant.
Genome position (GRCh38, 1-based): chr2:178,792,067, C>T on the plus strand (G>A on the coding strand, the complement: TTN is on the minus strand). VCF-style: chr2-178792067-C-T. GRCh37 (hg19) VCF-style: chr2-179656794-C-T.
Other names: c.1662+5G>A (NM_003319.4, NM_133437.4, NM_133432.3 and 3 more transcripts).
Identifiers: ClinVar variation 466843 (VCV000466843.16), dbSNP rs1021479898, ClinGen allele CA60985631.
Genomic context (GRCh38, chr2:178,792,067, plus strand): 5'-ACCTGCAGCTGGCTGTAATGTGATATTGTCAACAAACTACAAAATATTTAGAAAATCAGA[C>T]TTACTGCTTCTTGAGTTACTTGTTTCTGTTTCTTAGTAATTTCTTCAGAAATTCTAGTTT-3'